The following is an entry in ClinVar:

ClinVar aggregate classification (germline): Likely benign. Review status: criteria provided, single submitter (1 of 4 stars). 2 submissions from 2 submitters: Likely benign (1). 1 of the submissions does not count toward it. Last evaluated 2025-10-11.

Conditions:
RAI1-related disorder. Also called: RAI1-related condition.

gnomAD v4.1: 1 of 1,613,542 alleles (0.000062%); highest among the groups gnomAD compares: South Asian, 0.0011%; no homozygotes.

Submissions (2):

Labcorp Genetics (formerly Invitae), Labcorp
Classification: Likely benign. Last evaluated: 2025-10-11. Review status: criteria provided, single submitter. Criteria: Invitae Variant Classification Sherloc (09022015). Collection method: clinical testing. Allele origin: germline.

PreventionGenetics, part of Exact Sciences
Classification: Likely benign for RAI1-related condition. Last evaluated: 2024-08-23. Review status: no assertion criteria provided. Collection method: clinical testing. Allele origin: germline. Not counted in ClinVar's aggregate classification.
Comment: This variant is classified as likely benign based on ACMG/AMP sequence variant interpretation guidelines (Richards et al. 2015 PMID: 25741868, with internal and published modifications).

NM_030665.4(RAI1):c.2805G>A (p.Glu935=)

Gene: RAI1 (retinoic acid induced 1; plus strand). Cytogenetic location: 17p11.2.
Variant type: single nucleotide variant.
Coding change: c.2805G>A on transcript NM_030665.4 (MANE Select); coding-DNA position 2805, G replaced by A.
Protein change: p.Glu935=; no amino-acid change (glutamic acid 935 retained).
Molecular consequence: synonymous variant.
Genome position (GRCh38, 1-based): chr17:17,795,753, G>A. VCF-style: chr17-17795753-G-A. GRCh37 (hg19) VCF-style: chr17-17699067-G-A.
Identifiers: ClinVar variation 3357042 (VCV003357042.2).